The following is an entry in ClinVar:

NM_003611.3(OFD1):c.422T>G (p.Met141Arg)

Gene: OFD1 (OFD1 centriole and centriolar satellite protein; plus strand). Cytogenetic location: Xp22.2.
Variant type: single nucleotide variant.
Coding change: c.422T>G on transcript NM_003611.3 (MANE Select); coding-DNA position 422, T replaced by G.
Protein change: p.Met141Arg; replaces methionine 141 with arginine.
Molecular consequence: missense variant. On other transcripts: initiator codon variant (1).
Genome position (GRCh38, 1-based): chrX:13,744,424, T>G. VCF-style: chrX-13744424-T-G. GRCh37 (hg19) VCF-style: chrX-13762543-T-G.
Other names: c.422T>G, p.Met141Arg (NM_001330209.2); c.2T>G, p.Met1Arg (NM_001330210.2); short protein forms M141R, M1R.
Identifiers: ClinVar variation 2683583 (VCV002683583.2), dbSNP rs886039860, ClinGen allele CA10588907.

ClinVar aggregate classification (germline): Uncertain significance. Review status: criteria provided, multiple submitters, no conflicts (2 of 4 stars). 2 submissions from 2 submitters: Uncertain significance (2). Last evaluated 2025-03-06.

Submissions (2):

GeneDx
Classification: Uncertain significance. Last evaluated: 2025-03-06. Review status: criteria provided, single submitter. Criteria: GeneDx Variant Classification Process June 2021. Collection method: clinical testing. Allele origin: germline. Affected: yes.
Comment: Reported in an individual with tongue hamartomas, short lingual frenulum, cleft palate, extra teeth, small milia on the ears and sparse hair in published literature (PMID: 23033313); Not observed at significant frequency in large population cohorts (gnomAD); In silico analysis supports that this missense variant has a deleterious effect on protein structure/function; This variant is associated with the following publications: (PMID: 35112477, 23033313)

Mayo Clinic Laboratories, Mayo Clinic
Classification: Uncertain significance. Last evaluated: 2022-10-06. Review status: criteria provided, single submitter. Criteria: ACMG Guidelines, 2015. Collection method: clinical testing. Allele origin: germline. Observed: 1 variant allele.
Comment: PM2

Literature cited by the submitters: PubMed 23033313 (cited by Mayo Clinic Laboratories, Mayo Clinic); PubMed 35112477 (cited by Mayo Clinic Laboratories, Mayo Clinic).